The following is an entry in ClinVar:

ClinVar aggregate classification (germline): Uncertain significance (1 of 4 stars; one submission).

Submission:

GeneDx
Classification: Uncertain significance. Last evaluated: 2025-07-06. Review status: criteria provided, single submitter. Criteria: GeneDx Variant Classification Process June 2021. Collection method: clinical testing. Allele origin: germline. Affected: yes.
Comment: Not observed at significant frequency in large population cohorts (gnomAD); In silico analysis supports that this missense variant has a deleterious effect on protein structure/function; Has not been previously published as pathogenic or benign to our knowledge

NM_001813.3(CENPE):c.869G>A (p.Arg290Gln)

Gene: CENPE (centromere protein E; minus strand). Cytogenetic location: 4q24.
Variant type: single nucleotide variant.
Coding change: c.869G>A on transcript NM_001813.3 (MANE Select); coding-DNA position 869, G replaced by A.
Protein change: p.Arg290Gln; replaces arginine 290 with glutamine.
Molecular consequence: missense variant.
Genome position (GRCh38, 1-based): chr4:103,182,856, C>T on the plus strand (G>A on the coding strand, the complement: CENPE is on the minus strand). VCF-style: chr4-103182856-C-T. GRCh37 (hg19) VCF-style: chr4-104104013-C-T.
Other names: c.869G>A, p.Arg290Gln (NM_001286734.2); short protein forms R290Q.
Identifiers: ClinVar variation 546545 (VCV000546545.3), dbSNP rs1553937197, ClinGen allele CA357788447.